The following is an entry in ClinVar:

NM_032119.4(ADGRV1):c.3978T>A (p.Asp1326Glu)

Gene: ADGRV1 (adhesion G protein-coupled receptor V1; plus strand). Cytogenetic location: 5q14.3.
Variant type: single nucleotide variant.
Coding change: c.3978T>A on transcript NM_032119.4 (MANE Select); coding-DNA position 3978, T replaced by A.
Protein change: p.Asp1326Glu; replaces aspartic acid 1326 with glutamic acid.
Molecular consequence: missense variant. On other transcripts: non-coding transcript variant (1).
Genome position (GRCh38, 1-based): chr5:90,653,552, T>A. VCF-style: chr5-90653552-T-A. GRCh37 (hg19) VCF-style: chr5-89949369-T-A.
Other names: short protein forms D1326E.
Identifiers: ClinVar variation 667188 (VCV000667188.21), dbSNP rs546224817, ClinGen allele CA3339276.

ClinVar aggregate classification (germline): Conflicting classifications of pathogenicity. Review status: criteria provided, conflicting classifications (1 of 4 stars). 5 submissions from 5 submitters: Uncertain significance (2); Likely benign (3). Last evaluated 2026-01-09.

Conditions:
ADGRV1-related disorder. Also called: ADGRV1-related condition; ADGRV1-related disorders.

Allele frequency attached by ClinVar (database versions not stated): gnomAD below 0.00001 and 0.00004; TOPMed 0.00001; gnomAD exomes 0.00015 and 0.00028; ExAC 0.00032; 1000 Genomes Project 0.00060; 1000 Genomes Project 30x 0.00062.
gnomAD v4.1: 222 of 1,613,962 alleles (0.014%); highest among the groups gnomAD compares: South Asian, 0.23%; 3 homozygotes.

Submissions (5):

Labcorp Genetics (formerly Invitae), Labcorp
Classification: Likely benign. Last evaluated: 2026-01-09. Review status: criteria provided, single submitter. Criteria: Invitae Variant Classification Sherloc (09022015). Collection method: clinical testing. Allele origin: germline.

PreventionGenetics, part of Exact Sciences
Classification: Likely benign for ADGRV1-related condition. Last evaluated: 2025-10-15. Review status: criteria provided, single submitter. Criteria: ACMG Guidelines, 2015. Collection method: clinical testing. Allele origin: germline.
Comment: This variant is classified as likely benign based on ACMG/AMP sequence variant interpretation guidelines (Richards et al. 2015 PMID: 25741868, with internal and published modifications).

CeGaT Center for Human Genetics Tuebingen
Classification: Likely benign. Last evaluated: 2025-02-01. Review status: criteria provided, single submitter. Criteria: CeGaT Center For Human Genetics Tuebingen Variant Classification Criteria Version 2. Collection method: clinical testing. Allele origin: germline. Affected: yes. Observed: 1 variant allele.
Comment: ADGRV1: BS2

Blueprint Genetics
Classification: Uncertain significance. Last evaluated: 2024-11-11. Review status: criteria provided, single submitter. Criteria: ACMG Guidelines, 2015. Collection method: clinical testing. Allele origin: germline.

Laboratory for Molecular Medicine, Mass General Brigham Personalized Medicine
Classification: Uncertain significance. Last evaluated: 2018-08-08. Review status: criteria provided, single submitter. Criteria: LMM Criteria. Collection method: clinical testing. Allele origin: germline. Observed: 1 variant allele.
Comment: Variant classified as Uncertain Significance - Favor Benign. The p.Asp1326Glu va riant in ADGRV1 has not been previously reported in individuals with hearing los s or Usher syndrome but has been identified in 0.2% (69/30764) of South Asian ch romosomes by the Genome Aggregation Database (gnomAD; dbSNP rs546224817). Computational prediction tools and conservation anal ysis suggest that the p.Asp1326Glu variant may impact the protein, though this i nformation is not predictive enough to determine pathogenicity. In summary, whil e the clinical significance of the p.Asp1326Glu variant is uncertain, its freque ncy suggests that it is more likely to be benign. ACMG/AMP Criteria applied: BS1 _Supporting, PP3.